The following is an entry in ClinVar:

ClinVar aggregate classification (germline): Likely pathogenic (1 of 4 stars; one submission).

Conditions:
Early-infantile DEE. Also called: Early infantile epileptic encephalopathy; Ohtahara syndrome; Early infantile epileptic encephalopathy with suppression bursts. Identifiers: Orphanet 1934, MedGen C0393706, MONDO:0800491.

Submission:

Labcorp Genetics (formerly Invitae), Labcorp
Classification: Likely pathogenic for Early-infantile DEE. Last evaluated: 2022-04-29. Review status: criteria provided, single submitter. Criteria: Invitae Variant Classification Sherloc (09022015). Collection method: clinical testing. Allele origin: germline.
Comment: In summary, the currently available evidence indicates that the variant is pathogenic, but additional data are needed to prove that conclusively. Therefore, this variant has been classified as Likely Pathogenic. This variant disrupts the p.Glu78 amino acid residue in SCN1A. Other variant(s) that disrupt this residue have been determined to be pathogenic (PMID: 12821740, 32581296). This suggests that this residue is clinically significant, and that variants that disrupt this residue are likely to be disease-causing. Advanced modeling of protein sequence and biophysical properties (such as structural, functional, and spatial information, amino acid conservation, physicochemical variation, residue mobility, and thermodynamic stability) performed at Invitae indicates that this missense variant is expected to disrupt SCN1A protein function. This variant has not been reported in the literature in individuals affected with SCN1A-related conditions. This variant is not present in population databases (gnomAD no frequency). This sequence change replaces glutamic acid, which is acidic and polar, with lysine, which is basic and polar, at codon 78 of the SCN1A protein (p.Glu78Lys).

Literature cited by the submitters: PubMed 12821740; PubMed 32581296.

NM_001165963.4(SCN1A):c.232G>A (p.Glu78Lys)

Gene: SCN1A (sodium voltage-gated channel alpha subunit 1; minus strand). Cytogenetic location: 2q24.3.
Variant type: single nucleotide variant.
Coding change: c.232G>A on transcript NM_001165963.4 (MANE Select); coding-DNA position 232, G replaced by A.
Protein change: p.Glu78Lys; replaces glutamic acid 78 with lysine.
Molecular consequence: missense variant. On other transcripts: 5 prime UTR variant (1), non-coding transcript variant (1).
Genome position (GRCh38, 1-based): chr2:166,073,390, C>T on the plus strand (G>A on the coding strand, the complement: SCN1A is on the minus strand). VCF-style: chr2-166073390-C-T. GRCh37 (hg19) VCF-style: chr2-166929900-C-T.
Other names: c.232G>A, p.Glu78Lys (NM_001165964.3, NM_001202435.3, NM_001353948.2 and 10 more transcripts); c.-2194G>A (NM_001353961.2); short protein forms E78K.
Identifiers: ClinVar variation 2131886 (VCV002131886.4), dbSNP rs1553560710, ClinGen allele CA349242724.